The following is an entry in ClinVar:

ClinVar aggregate classification (germline): Likely benign. Review status: criteria provided, single submitter (1 of 4 stars). 2 submissions from 2 submitters: Likely benign (1). 1 of the submissions does not count toward it. Last evaluated 2024-02-13.

Conditions:
SLC12A3-related disorder. Also called: SLC12A3-related condition.

gnomAD v4.1: 16 of 1,613,952 alleles (0.00099%); highest among the groups gnomAD compares: Admixed American, 0.012%; no homozygotes.

Submissions (2):

Labcorp Genetics (formerly Invitae), Labcorp
Classification: Likely benign. Last evaluated: 2024-02-13. Review status: criteria provided, single submitter. Criteria: Invitae Variant Classification Sherloc (09022015). Collection method: clinical testing. Allele origin: germline.

PreventionGenetics, part of Exact Sciences
Classification: Likely benign for SLC12A3-related condition. Last evaluated: 2019-08-21. Review status: no assertion criteria provided. Collection method: clinical testing. Allele origin: germline. Not counted in ClinVar's aggregate classification.
Comment: This variant is classified as likely benign based on ACMG/AMP sequence variant interpretation guidelines (Richards et al. 2015 PMID: 25741868, with internal and published modifications).

NM_001126108.2(SLC12A3):c.450T>C (p.Ile150=)

Gene: SLC12A3 (solute carrier family 12 member 3; plus strand). Cytogenetic location: 16q13.
Variant type: single nucleotide variant.
Coding change: c.450T>C on transcript NM_001126108.2 (MANE Select); coding-DNA position 450, T replaced by C.
Protein change: p.Ile150=; no amino-acid change (isoleucine 150 retained).
Molecular consequence: synonymous variant.
Genome position (GRCh38, 1-based): chr16:56,868,317, T>C. VCF-style: chr16-56868317-T-C. GRCh37 (hg19) VCF-style: chr16-56902229-T-C.
Other names: c.450T>C (NM_000339.2); c.450T>C, p.Ile150= (NM_000339.3); c.447T>C, p.Ile149= (NM_001126107.2).
Identifiers: ClinVar variation 1142090 (VCV001142090.9), dbSNP rs143714318, ClinGen allele CA495602788.
Genomic context (GRCh38, chr16:56,868,317, plus strand): 5'-GTGTCCACCCAGGTGGCCTCTGACCCCCCTGTCCTCCCAGATTCGTTGCATGCTCAACAT[T>C]TGGGGCGTGATCCTCTACCTGCGGCTGCCCTGGATTACGGCCCAGGCAGGCATCGGTGAG-3'
Protein context (NP_001119580.2, residues 140-160): KGVMIRCMLN[Ile150=]WGVILYLRLP